The following is an entry in ClinVar:

NM_015662.3(IFT172):c.3001G>C (p.Asp1001His)

Gene: IFT172 (intraflagellar transport 172; minus strand). Cytogenetic location: 2p23.3.
Variant type: single nucleotide variant.
Coding change: c.3001G>C on transcript NM_015662.3 (MANE Select); coding-DNA position 3001, G replaced by C.
Protein change: p.Asp1001His; replaces aspartic acid 1001 with histidine.
Molecular consequence: missense variant.
Genome position (GRCh38, 1-based): chr2:27,457,951, C>G on the plus strand (G>C on the coding strand, the complement: IFT172 is on the minus strand). VCF-style: chr2-27457951-C-G. GRCh37 (hg19) VCF-style: chr2-27680818-C-G.
Other names: short protein forms D1001H.
Identifiers: ClinVar variation 1465089 (VCV001465089.7), dbSNP rs1666300541, ClinGen allele CA346380825.

ClinVar aggregate classification (germline): Uncertain significance. Review status: criteria provided, multiple submitters, no conflicts (2 of 4 stars). 2 submissions from 2 submitters: Uncertain significance (2). Last evaluated 2024-03-29.

Conditions:
Retinitis pigmentosa 71 (RP71). Identifiers: Orphanet 791, MedGen C4225342, MONDO:0014618, OMIM 616394.
Short-rib thoracic dysplasia 10 with or without polydactyly (SRTD10). Identifiers: Orphanet 474, MedGen C3810175, MONDO:0014284, OMIM 615630.
Bardet-Biedl syndrome 20. Identifiers: MedGen C4310707, MONDO:0023670, OMIM 619471, MONDO:0014926.

gnomAD v4.1: 1 of 1,614,146 alleles (0.000062%); highest among the groups gnomAD compares: Non-Finnish European, 0.000085%; no homozygotes.

Submissions (2):

Fulgent Genetics
Classification: Uncertain significance for Short-rib thoracic dysplasia 10 with or without polydactyly; Retinitis pigmentosa 71; Bardet-Biedl syndrome 20. Last evaluated: 2024-03-29. Review status: criteria provided, single submitter. Criteria: ACMG Guidelines, 2015. Collection method: clinical testing. Allele origin: germline.

Labcorp Genetics (formerly Invitae), Labcorp
Classification: Uncertain significance for Retinitis pigmentosa 71; Short-rib thoracic dysplasia 10 with or without polydactyly. Last evaluated: 2021-08-29. Review status: criteria provided, single submitter. Criteria: Invitae Variant Classification Sherloc (09022015). Collection method: clinical testing. Allele origin: germline.
Comment: This sequence change replaces aspartic acid with histidine at codon 1001 of the IFT172 protein (p.Asp1001His). The aspartic acid residue is highly conserved and there is a moderate physicochemical difference between aspartic acid and histidine. This variant is not present in population databases (ExAC no frequency). This variant has not been reported in the literature in individuals affected with IFT172-related conditions. Algorithms developed to predict the effect of missense changes on protein structure and function are either unavailable or do not agree on the potential impact of this missense change (SIFT: "Tolerated"; PolyPhen-2: "Probably Damaging"; Align-GVGD: "Class C0"). In summary, the available evidence is currently insufficient to determine the role of this variant in disease. Therefore, it has been classified as a Variant of Uncertain Significance.